The following is an entry in ClinVar:

NM_004304.5(ALK):c.754T>C (p.Ser252Pro)

Gene: ALK (ALK receptor tyrosine kinase; minus strand). Cytogenetic location: 2p23.2.
Variant type: single nucleotide variant.
Coding change: c.754T>C on transcript NM_004304.5 (MANE Select); coding-DNA position 754, T replaced by C.
Protein change: p.Ser252Pro; replaces serine 252 with proline.
Molecular consequence: missense variant.
Genome position (GRCh38, 1-based): chr2:29,717,611, A>G on the plus strand (T>C on the coding strand, the complement: ALK is on the minus strand). VCF-style: chr2-29717611-A-G. GRCh37 (hg19) VCF-style: chr2-29940477-A-G.
Other names: short protein forms S252P.
Identifiers: ClinVar variation 4674836 (VCV004674836.1).
Genomic context (GRCh38, chr2:29,717,611, plus strand): 5'-TCAAGTAAATATTAAACATATACTTACCATATCGGCTGCGATGAGACAGGAAAGGGAAGG[A>G]GTCTTTCATTATCCAGGTGAGATTCCATGTAAAATAATCAGGAGAAGGAGAAGGCATGTT-3'
Protein context (NP_004295.2, residues 242-262): TWNLTWIMKD[Ser252Pro]FPFLSHRSRY

ClinVar aggregate classification (germline): Uncertain significance (1 of 4 stars; one submission).

Conditions:
Hereditary cancer-predisposing syndrome. Also called: Neoplastic Syndromes, Hereditary; Tumor predisposition; Hereditary Cancer Syndrome; Hereditary neoplastic syndrome. Identifiers: Orphanet 140162, MedGen C0027672, MeSH D009386, MONDO:0015356.

gnomAD v4.1: 1 of 1,614,052 alleles (0.000062%); highest among the groups gnomAD compares: Non-Finnish European, 0.000085%; no homozygotes.

Submission:

Ambry Genetics
Classification: Uncertain significance for Hereditary cancer-predisposing syndrome. Last evaluated: 2025-10-11. Review status: criteria provided, single submitter. Criteria: Ambry Variant Classification Scheme 2023. Collection method: clinical testing. Allele origin: germline.
Comment: The p.S252P variant (also known as c.754T>C), located in coding exon 2 of the ALK gene, results from a T to C substitution at nucleotide position 754. The serine at codon 252 is replaced by proline, an amino acid with similar properties. This amino acid position is conserved. In addition, the in silico prediction for this alteration is inconclusive. Based on the available evidence, the clinical significance of this variant remains unclear.